The following is an entry in ClinVar:

ClinVar aggregate classification (germline): Uncertain significance (1 of 4 stars; one submission).

Conditions:
Cardiovascular phenotype. Identifiers: MedGen CN230736.

Submission:

Ambry Genetics
Classification: Uncertain significance for Cardiovascular phenotype. Last evaluated: 2026-07-01. Review status: criteria provided, single submitter. Criteria: Ambry Variant Classification Scheme 2023. Collection method: clinical testing. Allele origin: germline.
Comment: The p.G577A variant (also known as c.1730G>C), located in coding exon 13 of the ABCA1 gene, results from a G to C substitution at nucleotide position 1730. The glycine at codon 577 is replaced by alanine, an amino acid with similar properties. This amino acid position is conserved. In addition, this alteration is predicted to be deleterious by in silico analysis. Based on the available evidence, the clinical significance of this variant remains unclear.

NM_005502.4(ABCA1):c.1730G>C (p.Gly577Ala)

Gene: ABCA1 (ATP binding cassette subfamily A member 1; minus strand). Cytogenetic location: 9q31.1.
Variant type: single nucleotide variant.
Coding change: c.1730G>C on transcript NM_005502.4 (MANE Select); coding-DNA position 1730, G replaced by C.
Protein change: p.Gly577Ala; replaces glycine 577 with alanine.
Molecular consequence: missense variant.
Genome position (GRCh38, 1-based): chr9:104,831,087, C>G on the plus strand (G>C on the coding strand, the complement: ABCA1 is on the minus strand). VCF-style: chr9-104831087-C-G. GRCh37 (hg19) VCF-style: chr9-107593368-C-G.
Other names: short protein forms G577A.
Identifiers: ClinVar variation 5033436 (VCV005033436.1).